The following is an entry in ClinVar:

ClinVar aggregate classification (germline): Conflicting classifications of pathogenicity. Review status: criteria provided, conflicting classifications (1 of 4 stars). 3 submissions from 3 submitters: Uncertain significance (1); Likely benign (1). 1 of the submissions does not count toward it. Last evaluated 2025-10-06.

Conditions:
Hereditary cancer-predisposing syndrome. Also called: Hereditary Cancer Syndrome; Neoplastic Syndromes, Hereditary; Tumor predisposition; Hereditary neoplastic syndrome. Identifiers: Orphanet 140162, MedGen C0027672, MeSH D009386, MONDO:0015356.
Bloom syndrome (BLM). Also called: Bloom-Torre-Machacek syndrome. Identifiers: Orphanet 125, MedGen C0005859, MONDO:0008876, OMIM 210900.

Submissions (3):

Labcorp Genetics (formerly Invitae), Labcorp
Classification: Uncertain significance for Bloom syndrome. Last evaluated: 2025-10-06. Review status: criteria provided, single submitter. Criteria: Invitae Variant Classification Sherloc (09022015). Collection method: clinical testing. Allele origin: germline.
Comment: This sequence change replaces valine, which is neutral and non-polar, with isoleucine, which is neutral and non-polar, at codon 1281 of the BLM protein (p.Val1281Ile). This variant is not present in population databases (gnomAD no frequency). This variant has not been reported in the literature in individuals affected with BLM-related conditions. ClinVar contains an entry for this variant (Variation ID: 1025155). Invitae Evidence Modeling of protein sequence and biophysical properties (such as structural, functional, and spatial information, amino acid conservation, physicochemical variation, residue mobility, and thermodynamic stability) indicates that this missense variant is not expected to disrupt BLM protein function with a negative predictive value of 80%. In summary, the available evidence is currently insufficient to determine the role of this variant in disease. Therefore, it has been classified as a Variant of Uncertain Significance.

Ambry Genetics
Classification: Likely benign for Hereditary cancer-predisposing syndrome. Last evaluated: 2024-04-09. Review status: criteria provided, single submitter. Criteria: Ambry Variant Classification Scheme 2023. Collection method: clinical testing. Allele origin: germline.

Natera, Inc.
Classification: Uncertain significance for Bloom syndrome. Last evaluated: 2018-09-12. Review status: no assertion criteria provided. Collection method: clinical testing. Allele origin: germline. Not counted in ClinVar's aggregate classification.

NM_000057.4(BLM):c.3841G>A (p.Val1281Ile)

Gene: BLM (BLM RecQ like helicase; plus strand). Cytogenetic location: 15q26.1.
Variant type: single nucleotide variant.
Coding change: c.3841G>A on transcript NM_000057.4 (MANE Select); coding-DNA position 3841, G replaced by A.
Protein change: p.Val1281Ile; replaces valine 1281 with isoleucine.
Molecular consequence: missense variant.
Genome position (GRCh38, 1-based): chr15:90,809,226, G>A. VCF-style: chr15-90809226-G-A. GRCh37 (hg19) VCF-style: chr15-91352456-G-A.
Other names: c.3841G>A, p.Val1281Ile (NM_001287246.2); c.3448G>A, p.Val1150Ile (NM_001287247.2); c.2716G>A, p.Val906Ile (NM_001287248.2); c.3841G>A (NM_000057.2); short protein forms V1150I, V1281I, V906I.
Identifiers: ClinVar variation 1025155 (VCV001025155.11), dbSNP rs1018540956, ClinGen allele CA393849777.